The following is an entry in ClinVar:

ClinVar aggregate classification (germline): Likely benign. Review status: criteria provided, multiple submitters, no conflicts (2 of 4 stars). 4 submissions from 4 submitters: Likely benign (3). 1 of the submissions does not count toward it. Last evaluated 2026-07-01.

Conditions:
COL18A1-related disorder. Also called: COL18A1-related condition; COL18A1-related disorders.

Allele frequency attached by ClinVar (database versions not stated): 1000 Genomes Project 0.00040; gnomAD 0.00044 and 0.00046; 1000 Genomes Project 30x 0.00047; TOPMed 0.00054; ESP Exome Variant Server 0.00061.
gnomAD v4.1: 180 of 1,508,370 alleles (0.012%); highest among the groups gnomAD compares: African/African-American, 0.21%; 1 homozygote.

Submissions (5):

CeGaT Center for Human Genetics Tuebingen
Classification: Likely benign. Last evaluated: 2026-07-01. Review status: criteria provided, single submitter. Criteria: CeGaT Center For Human Genetics Tuebingen Variant Classification Criteria Version 2. Collection method: clinical testing. Allele origin: germline. Affected: yes. Observed: 2 variant alleles.
Comment: COL18A1: BP4, BP7

Labcorp Genetics (formerly Invitae), Labcorp
Classification: Likely benign. Last evaluated: 2026-01-21. Review status: criteria provided, single submitter. Criteria: Invitae Variant Classification Sherloc (09022015). Collection method: clinical testing. Allele origin: germline.

Blueprint Genetics
Classification: Likely benign. Last evaluated: 2024-10-02. Review status: criteria provided, single submitter. Criteria: ACMG Guidelines, 2015. Collection method: clinical testing. Allele origin: germline.

PreventionGenetics, part of Exact Sciences
Classification: Likely benign for COL18A1-related condition. Last evaluated: 2022-08-05. Review status: no assertion criteria provided. Collection method: clinical testing. Allele origin: germline. Not counted in ClinVar's aggregate classification.
Comment: This variant is classified as likely benign based on ACMG/AMP sequence variant interpretation guidelines (Richards et al. 2015 PMID: 25741868, with internal and published modifications).

Dr. Peter K. Rogan Lab, Western University
No classification provided (evidence only). Condition: Clear cell carcinoma of kidney. Review status: no classification provided. Collection method: in vitro. Allele origin: not applicable. Functional consequence: skipped exon, retained intron. Not counted in ClinVar's aggregate classification.

NM_001379500.1(COL18A1):c.1215C>T (p.Gly405=)

Gene: COL18A1 (collagen type XVIII alpha 1 chain; plus strand). Cytogenetic location: 21q22.3.
Variant type: single nucleotide variant.
Coding change: c.1215C>T on transcript NM_001379500.1 (MANE Select); coding-DNA position 1215, C replaced by T.
Protein change: p.Gly405=; no amino-acid change (glycine 405 retained).
Molecular consequence: synonymous variant.
Genome position (GRCh38, 1-based): chr21:45,477,959, C>T. VCF-style: chr21-45477959-C-T. GRCh37 (hg19) VCF-style: chr21-46897873-C-T.
Other names: c.1755C>T, p.Gly585= (NM_030582.4); c.2460C>T, p.Gly820= (NM_130444.3); c.1755C>T (NM_030582.3).
Identifiers: ClinVar variation 1128792 (VCV001128792.19), dbSNP rs370283993, ClinGen allele CA10066103.
Genomic context (GRCh38, chr21:45,477,959, plus strand): 5'-CCCCGGACCACAAGGACCCCCAGGGCCTCCGGGGAGGGACGGCACCCCTGGAAGGGACGG[C>T]GAGCCGGTGAGTCCTCACGTCCCCCCGAGTCCGGCCCGGTCTGGAGGGTGGGGGCTTGGG-3'
Protein context (NP_001366429.1, residues 395-415): PGRDGTPGRD[Gly405=]EPGDPGEDGK